The following is an entry in ClinVar:

ClinVar aggregate classification (germline): Uncertain significance. Review status: criteria provided, multiple submitters, no conflicts (2 of 4 stars). 2 submissions from 2 submitters: Uncertain significance (2). Last evaluated 2024-02-12.

Conditions:
Hereditary spastic paraplegia 28. Also called: Spastic paraplegia 28, autosomal recessive. Identifiers: Orphanet 101008, MedGen C1836295, MONDO:0012256, OMIM 609340.
Inborn genetic diseases. Identifiers: MedGen C0950123, MeSH D030342.

Allele frequency attached by ClinVar (database versions not stated): gnomAD exomes 0.00003; gnomAD 0.00002; ExAC 0.00005; TOPMed 0.00006.
gnomAD v4.1: 47 of 1,613,888 alleles (0.0029%); highest among the groups gnomAD compares: Admixed American, 0.0067%; no homozygotes.

Submissions (2):

Ambry Genetics
Classification: Uncertain significance for Inborn genetic diseases. Last evaluated: 2024-02-12. Review status: criteria provided, single submitter. Criteria: Ambry Variant Classification Scheme 2023. Collection method: clinical testing. Allele origin: germline.

Labcorp Genetics (formerly Invitae), Labcorp
Classification: Uncertain significance for Hereditary spastic paraplegia 28. Last evaluated: 2022-05-12. Review status: criteria provided, single submitter. Criteria: Invitae Variant Classification Sherloc (09022015). Collection method: clinical testing. Allele origin: germline.
Comment: This sequence change replaces threonine, which is neutral and polar, with alanine, which is neutral and non-polar, at codon 717 of the DDHD1 protein (p.Thr717Ala). This variant is present in population databases (rs778314127, gnomAD 0.006%). This variant has not been reported in the literature in individuals affected with DDHD1-related conditions. Algorithms developed to predict the effect of missense changes on protein structure and function (SIFT, PolyPhen-2, Align-GVGD) all suggest that this variant is likely to be tolerated. In summary, the available evidence is currently insufficient to determine the role of this variant in disease. Therefore, it has been classified as a Variant of Uncertain Significance.

NM_001160148.2(DDHD1):c.2128A>G (p.Thr710Ala)

Gene: DDHD1 (DDHD domain containing 1; minus strand). Cytogenetic location: 14q22.1.
Variant type: single nucleotide variant.
Coding change: c.2128A>G on transcript NM_001160148.2 (MANE Select); coding-DNA position 2128, A replaced by G.
Protein change: p.Thr710Ala; replaces threonine 710 with alanine.
Molecular consequence: missense variant.
Genome position (GRCh38, 1-based): chr14:53,055,777, T>C on the plus strand (A>G on the coding strand, the complement: DDHD1 is on the minus strand). VCF-style: chr14-53055777-T-C. GRCh37 (hg19) VCF-style: chr14-53522495-T-C.
Other names: c.2149A>G, p.Thr717Ala (NM_001160147.2); c.2128A>G, p.Thr710Ala (NM_030637.3); c.2128A>G (NM_001160148.1); short protein forms T710A, T717A.
Identifiers: ClinVar variation 1389646 (VCV001389646.5), dbSNP rs778314127, ClinGen allele CA7191043.